The following is an entry in ClinVar:

ClinVar aggregate classification (germline): Uncertain significance (1 of 4 stars; one submission).

Conditions:
Early-infantile DEE. Also called: Ohtahara syndrome; Early infantile epileptic encephalopathy with suppression bursts; Early infantile epileptic encephalopathy. Identifiers: Orphanet 1934, MedGen C0393706, MONDO:0800491.

Submission:

Labcorp Genetics (formerly Invitae), Labcorp
Classification: Uncertain significance for Early-infantile DEE. Last evaluated: 2022-02-03. Review status: criteria provided, single submitter. Criteria: Invitae Variant Classification Sherloc (09022015). Collection method: clinical testing. Allele origin: germline.
Comment: In summary, the available evidence is currently insufficient to determine the role of this variant in disease. Therefore, it has been classified as a Variant of Uncertain Significance. Algorithms developed to predict the effect of missense changes on protein structure and function (SIFT, PolyPhen-2, Align-GVGD) all suggest that this variant is likely to be disruptive. This variant has not been reported in the literature in individuals affected with SLC25A22-related conditions. This variant is not present in population databases (gnomAD no frequency). This sequence change replaces leucine, which is neutral and non-polar, with proline, which is neutral and non-polar, at codon 131 of the SLC25A22 protein (p.Leu131Pro).

NM_001191061.2(SLC25A22):c.392T>C (p.Leu131Pro)

Gene: SLC25A22 (solute carrier family 25 member 22; minus strand). Cytogenetic location: 11p15.5.
Variant type: single nucleotide variant.
Coding change: c.392T>C on transcript NM_001191061.2 (MANE Select); coding-DNA position 392, T replaced by C.
Protein change: p.Leu131Pro; replaces leucine 131 with proline.
Molecular consequence: missense variant.
Genome position (GRCh38, 1-based): chr11:792,890, A>G on the plus strand (T>C on the coding strand, the complement: SLC25A22 is on the minus strand). VCF-style: chr11-792890-A-G. GRCh37 (hg19) VCF-style: chr11-792890-A-G.
Other names: c.392T>C, p.Leu131Pro (NM_001191060.2, NM_024698.6); short protein forms L131P.
Identifiers: ClinVar variation 1468561 (VCV001468561.9), dbSNP rs1864613507, ClinGen allele CA378970608.